The following is an entry in ClinVar:

NM_001197104.2(KMT2A):c.8752A>G (p.Ile2918Val)

Gene: KMT2A (lysine methyltransferase 2A; plus strand). Cytogenetic location: 11q23.3.
Variant type: single nucleotide variant.
Coding change: c.8752A>G on transcript NM_001197104.2 (MANE Select); coding-DNA position 8752, A replaced by G.
Protein change: p.Ile2918Val; replaces isoleucine 2918 with valine.
Molecular consequence: missense variant.
Genome position (GRCh38, 1-based): chr11:118,504,644, A>G. VCF-style: chr11-118504644-A-G. GRCh37 (hg19) VCF-style: chr11-118375359-A-G.
Other names: c.8842A>G, p.Ile2948Val (NM_001412597.1); c.8743A>G, p.Ile2915Val (NM_005933.4); short protein forms I2915V, I2918V, I2948V.
Identifiers: ClinVar variation 3623743 (VCV003623743.2).

ClinVar aggregate classification (germline): Uncertain significance (1 of 4 stars; one submission).

gnomAD v4.1: 4 of 1,613,682 alleles (0.00025%); highest among the groups gnomAD compares: Non-Finnish European, 0.00034%; no homozygotes.

Submission:

Labcorp Genetics (formerly Invitae), Labcorp
Classification: Uncertain significance. Last evaluated: 2026-01-21. Review status: criteria provided, single submitter. Criteria: Invitae Variant Classification Sherloc (09022015). Collection method: clinical testing. Allele origin: germline.
Comment: This sequence change replaces isoleucine, which is neutral and non-polar, with valine, which is neutral and non-polar, at codon 2918 of the KMT2A protein (p.Ile2918Val). This variant is not present in population databases (gnomAD no frequency). This variant has not been reported in the literature in individuals affected with KMT2A-related conditions. ClinVar contains an entry for this variant (Variation ID: 3623743). Invitae Evidence Modeling of protein sequence and biophysical properties (such as structural, functional, and spatial information, amino acid conservation, physicochemical variation, residue mobility, and thermodynamic stability) indicates that this missense variant is not expected to disrupt KMT2A protein function with a negative predictive value of 95%. In summary, the available evidence is currently insufficient to determine the role of this variant in disease. Therefore, it has been classified as a Variant of Uncertain Significance.